The following is an entry in ClinVar:

ClinVar aggregate classification (germline): Uncertain significance (1 of 4 stars; one submission).

Conditions:
Hereditary cancer-predisposing syndrome. Also called: Neoplastic Syndromes, Hereditary; Tumor predisposition; Hereditary neoplastic syndrome; Hereditary Cancer Syndrome. Identifiers: Orphanet 140162, MedGen C0027672, MeSH D009386, MONDO:0015356.

Submission:

Ambry Genetics
Classification: Uncertain significance for Hereditary cancer-predisposing syndrome. Last evaluated: 2026-08-17. Review status: criteria provided, single submitter. Criteria: Ambry Variant Classification Scheme 2023. Collection method: clinical testing. Allele origin: germline.
Comment: The c.1049+3G>C intronic variant results from a G to C substitution 3 nucleotides after coding exon 6 in the MEN1 gene. This nucleotide position is well conserved in available vertebrate species. In silico splice site analysis predicts that this alteration will weaken the native splice donor site. Based on the available evidence, the clinical significance of this variant remains unclear.

NM_001370259.2(MEN1):c.1049+3G>C

Gene: MEN1 (menin 1; minus strand). Cytogenetic location: 11q13.1.
Variant type: single nucleotide variant.
Coding change: c.1049+3G>C on transcript NM_001370259.2 (MANE Select); 3 bases into the intron after coding-DNA position 1049, G replaced by C.
Molecular consequence: intron variant. On other transcripts: non-coding transcript variant (4).
Genome position (GRCh38, 1-based): chr11:64,806,229, C>G on the plus strand (G>C on the coding strand, the complement: MEN1 is on the minus strand). VCF-style: chr11-64806229-C-G. GRCh37 (hg19) VCF-style: chr11-64573701-C-G.
Other names: c.1064+3G>C (NM_130804.3, NM_130803.3, NM_000244.4 and 5 more transcripts); c.944+3G>C (NM_001407148.1, NM_001407149.1, NM_001407151.1 and 2 more transcripts); c.1049+3G>C (NM_130799.3, NM_001407144.1, NM_001370260.2 and 7 more transcripts).
Identifiers: ClinVar variation 5024305 (VCV005024305.1).